The following is an entry in ClinVar:

ClinVar aggregate classification (germline): Uncertain significance. Review status: criteria provided, multiple submitters, no conflicts (2 of 4 stars). 2 submissions from 2 submitters: Uncertain significance (2). Last evaluated 2025-08-27.

Conditions:
Hypotonia, infantile, with psychomotor retardation and characteristic facies 2 (IHPRF2). Also called: UNC80 Deficiency. Identifiers: Orphanet 371364, Orphanet 700333, MedGen C4225203, MONDO:0014777, OMIM 616801.
Inborn genetic diseases. Identifiers: MedGen C0950123, MeSH D030342.

Allele frequency attached by ClinVar (database versions not stated): gnomAD exomes below 0.00001 and 0.00001; ExAC 0.00005.
gnomAD v4.1: 1 of 1,551,508 alleles (0.000064%); highest among the groups gnomAD compares: Non-Finnish European, 0.000087%; no homozygotes.

Submissions (2):

Ambry Genetics
Classification: Uncertain significance for Inborn genetic diseases. Last evaluated: 2025-08-27. Review status: criteria provided, single submitter. Criteria: Ambry Variant Classification Scheme 2023. Collection method: clinical testing. Allele origin: germline.

Baylor Genetics
Classification: Uncertain significance for Hypotonia, infantile, with psychomotor retardation and characteristic facies 2. Last evaluated: 2018-08-30. Review status: criteria provided, single submitter. Criteria: ACMG Guidelines, 2015. Collection method: clinical testing. Allele origin: unknown. Affected: yes.
Comment: This variant was determined to be of uncertain significance according to ACMG Guidelines, 2015 [PMID:25741868].

NM_001371986.1(UNC80):c.1685T>A (p.Val562Asp)

Genes: UNC80 (unc-80 subunit of NALCN channel complex; plus strand), LOC122861286 (Sharpr-MPRA regulatory region 8450; plus strand). Cytogenetic location: 2q34.
Variant type: single nucleotide variant.
Coding change: c.1685T>A on transcript NM_001371986.1 (MANE Select); coding-DNA position 1685, T replaced by A.
Protein change: p.Val562Asp; replaces valine 562 with aspartic acid.
Molecular consequence: missense variant.
Genome position (GRCh38, 1-based): chr2:209,817,944, T>A. VCF-style: chr2-209817944-T-A. GRCh37 (hg19) VCF-style: chr2-210682668-T-A.
Other names: c.1685T>A, p.Val562Asp (NM_032504.2, NM_182587.4); short protein forms V562D.
Identifiers: ClinVar variation 1031501 (VCV001031501.2), dbSNP rs768044780, ClinGen allele CA2082959.